The following is an entry in ClinVar:

NM_001805.4(CEBPE):c.463C>A (p.Leu155Met)

Gene: CEBPE (CCAAT enhancer binding protein epsilon; minus strand). Cytogenetic location: 14q11.2.
Variant type: single nucleotide variant.
Coding change: c.463C>A on transcript NM_001805.4 (MANE Select); coding-DNA position 463, C replaced by A.
Protein change: p.Leu155Met; replaces leucine 155 with methionine.
Molecular consequence: missense variant.
Genome position (GRCh38, 1-based): chr14:23,118,629, G>T on the plus strand (C>A on the coding strand, the complement: CEBPE is on the minus strand). VCF-style: chr14-23118629-G-T. GRCh37 (hg19) VCF-style: chr14-23587838-G-T.
Other names: p.Leu155Met; short protein forms L155M.
Identifiers: ClinVar variation 530670 (VCV000530670.38), dbSNP rs141903485, ClinGen allele CA7111208.
Genomic context (GRCh38, chr14:23,118,629, plus strand): 5'-GGCCTGCTCTTACCTTGAGAACGCGCAGAGGCTGGCCGGGTGCTGCCAGAGTTGGGGGCA[G>T]GTGCATGGCTGTCTGCCCACAGTGTGCCACTTGGTACTGCAGGGGATTGTAGCTGCCTCG-3'
Protein context (NP_001796.2, residues 145-165): VAHCGQTAMH[Leu155Met]PPTLAAPGQP

ClinVar aggregate classification (germline): Benign/Likely benign. Review status: criteria provided, multiple submitters, no conflicts (2 of 4 stars). 4 submissions from 4 submitters: Benign (2); Likely benign (1). 1 of the submissions does not count toward it. Last evaluated 2026-02-01.

Conditions:
Specific granule deficiency. Identifiers: Orphanet 169142, MedGen C0398593, MONDO:0009506.
CEBPE-related disorder. Also called: CEBPE-related condition.

Allele frequency attached by ClinVar (database versions not stated): 1000 Genomes Project 0.00100; 1000 Genomes Project 30x 0.00109; TOPMed 0.00453; gnomAD 0.00539 and 0.00571; ESP Exome Variant Server 0.00577; gnomAD exomes 0.00606; ExAC 0.00697.

Submissions (4):

Labcorp Genetics (formerly Invitae), Labcorp
Classification: Benign for Specific granule deficiency. Last evaluated: 2026-02-01. Review status: criteria provided, single submitter. Criteria: Invitae Variant Classification Sherloc (09022015). Collection method: clinical testing. Allele origin: germline.

CeGaT Center for Human Genetics Tuebingen
Classification: Likely benign. Last evaluated: 2026-01-01. Review status: criteria provided, single submitter. Criteria: CeGaT Center For Human Genetics Tuebingen Variant Classification Criteria Version 2. Collection method: clinical testing. Allele origin: germline. Affected: yes. Observed: 15 variant alleles.
Comment: CEBPE: BS2

Mayo Clinic Laboratories, Mayo Clinic
Classification: Benign. Last evaluated: 2025-07-23. Review status: criteria provided, single submitter. Criteria: ACMG Guidelines, 2015. Collection method: clinical testing. Allele origin: germline. Observed: 6 variant alleles.
Comment: BS1, BS2, BP4_moderate

PreventionGenetics, part of Exact Sciences
Classification: Likely benign for CEBPE-related condition. Last evaluated: 2023-11-16. Review status: no assertion criteria provided. Collection method: clinical testing. Allele origin: germline. Not counted in ClinVar's aggregate classification.
Comment: This variant is classified as likely benign based on ACMG/AMP sequence variant interpretation guidelines (Richards et al. 2015 PMID: 25741868, with internal and published modifications).

Literature cited by the submitters: PubMed 17170124 (cited by Mayo Clinic Laboratories, Mayo Clinic); PubMed 26104880 (cited by Mayo Clinic Laboratories, Mayo Clinic); PubMed 32574725 (cited by Mayo Clinic Laboratories, Mayo Clinic); PubMed 34662886 (cited by Mayo Clinic Laboratories, Mayo Clinic).